The following is an entry in ClinVar:

ClinVar aggregate classification (germline): Pathogenic (1 of 4 stars; one submission).

Conditions:
Osteogenesis imperfecta type I (OI1). Also called: OI, TYPE I; OSTEOGENESIS IMPERFECTA TARDA; OSTEOGENESIS IMPERFECTA WITH BLUE SCLERAE; Lobstein disease; Osteogenesis imperfecta type 1; Lobstein's Disease. Identifiers: Orphanet 216796, Orphanet 666, MedGen C0023931, MONDO:0008146, OMIM 166200. Disease mechanism: loss of function.

Submission:

Labcorp Genetics (formerly Invitae), Labcorp
Classification: Pathogenic for Osteogenesis imperfecta type I. Last evaluated: 2024-11-07. Review status: criteria provided, single submitter. Criteria: Invitae Variant Classification Sherloc (09022015). Collection method: clinical testing. Allele origin: germline.
Comment: This sequence change creates a premature translational stop signal (p.Glu33Lysfs*41) in the COL1A1 gene. It is expected to result in an absent or disrupted protein product. Loss-of-function variants in COL1A1 are known to be pathogenic (PMID: 7942841, 9295084, 9443882). This variant is not present in population databases (gnomAD no frequency). This variant has not been reported in the literature in individuals affected with COL1A1-related conditions. ClinVar contains an entry for this variant (Variation ID: 2851809). For these reasons, this variant has been classified as Pathogenic.

Literature cited by the submitters: PubMed 7942841; PubMed 9295084; PubMed 9443882.

NM_000088.4(COL1A1):c.97del (p.Glu33fs)

Gene: COL1A1 (collagen type I alpha 1 chain; minus strand). Cytogenetic location: 17q21.33.
Variant type: Deletion.
Coding change: c.97del on transcript NM_000088.4 (MANE Select); coding-DNA position 97, one base deleted (G; older notation c.97delG).
Protein change: p.Glu33fs; shifts the reading frame from glutamic acid 33.
Molecular consequence: frameshift variant.
Genome position (GRCh38, 1-based): chr17:50,201,417, C deleted on the plus strand (G on the coding strand, the reverse complement: COL1A1 is on the minus strand). VCF-style (leftmost placement, unchanged base first): chr17-50201416-TC-T. GRCh37 (hg19) VCF-style: chr17-48278777-TC-T.
Other names: short protein forms E33fs.
Identifiers: ClinVar variation 2851809 (VCV002851809.3), dbSNP rs2509266473, ClinGen allele CA2739268240.
Genomic context (GRCh38, chr17:50,201,416, plus strand): 5'-CAAGCGCAAGGCGCGATATAGAGTATCCTTGCACTCCCAAAAGTTTGGGACTTACTGTCT[TC>T]GTCTTGGCCCTCGACTTGGCCTTCCTCTTGGCCGTGCGTCAGGAGGGCGGTGGCCGCTAA-3'